The following is an entry in ClinVar:

ClinVar aggregate classification (germline): Uncertain significance (1 of 4 stars; one submission).

Allele frequency attached by ClinVar (database versions not stated): ExAC 0.00001; gnomAD exomes 0.00001.
gnomAD v4.1: 8 of 1,613,908 alleles (0.0005%); highest among the groups gnomAD compares: Non-Finnish European, 0.00059%; no homozygotes.

Submission:

CeGaT Center for Human Genetics Tuebingen
Classification: Uncertain significance. Last evaluated: 2022-11-01. Review status: criteria provided, single submitter. Criteria: CeGaT Center For Human Genetics Tuebingen Variant Classification Criteria Version 2. Collection method: clinical testing. Allele origin: germline. Affected: yes. Observed: 1 variant allele.
Comment: TRAK1: PM2:Supporting, BP4

NM_001042646.3(TRAK1):c.96G>C (p.Val32=)

Gene: TRAK1 (trafficking kinesin protein 1; plus strand). Cytogenetic location: 3p22.1.
Variant type: single nucleotide variant.
Coding change: c.96G>C on transcript NM_001042646.3 (MANE Select); coding-DNA position 96, G replaced by C.
Protein change: p.Val32=; no amino-acid change (valine 32 retained).
Molecular consequence: synonymous variant. On other transcripts: 5 prime UTR variant (1), non-coding transcript variant (1).
Genome position (GRCh38, 1-based): chr3:42,125,424, G>C. VCF-style: chr3-42125424-G-C. GRCh37 (hg19) VCF-style: chr3-42166916-G-C.
Other names: c.96G>C, p.Val32= (NM_001265608.2, NM_001349246.2, NM_001349247.2); c.-217G>C (NM_001349245.1).
Identifiers: ClinVar variation 1879577 (VCV001879577.26), dbSNP rs773333328, ClinGen allele CA2332926.